The following is an entry in ClinVar:

NM_005378.6(MYCN):c.18G>A (p.Thr6=)

Genes: MYCNOS (MYCN opposite strand; minus strand), MYCN (MYCN proto-oncogene, bHLH transcription factor; plus strand). Cytogenetic location: 2p24.3.
Variant type: single nucleotide variant.
Coding change: c.18G>A on transcript NM_005378.6 (MANE Select); coding-DNA position 18, G replaced by A.
Protein change: p.Thr6=; no amino-acid change (threonine 6 retained).
Molecular consequence: synonymous variant. On other transcripts: missense variant (1), intron variant (1).
Genome position (GRCh38, 1-based): chr2:15,942,082, G>A. VCF-style: chr2-15942082-G-A. GRCh37 (hg19) VCF-style: chr2-16082204-G-A.
Other names: c.18G>A, p.Thr6= (NM_001293228.2); c.292G>A, p.Val98Ile (NM_001293233.2); c.157+1339G>A (NM_001293231.2); c.292G>A (NM_001293233.1); short protein forms V98I.
Identifiers: ClinVar variation 516655 (VCV000516655.37), dbSNP rs199929021, ClinGen allele CA1538104.

ClinVar aggregate classification (germline): Likely benign. Review status: criteria provided, multiple submitters, no conflicts (2 of 4 stars). 6 submissions from 6 submitters: Likely benign (5). 1 of the submissions does not count toward it. Last evaluated 2026-05-01.

Conditions:
MYCN-related disorder. Also called: MYCN-related condition.
Feingold syndrome type 1 (FGLDS1). Also called: MICROCEPHALY AND DIGITAL ABNORMALITIES WITH NORMAL INTELLIGENCE; MICROCEPHALY, MENTAL RETARDATION, AND TRACHEOESOPHAGEAL FISTULA SYNDROME; MICROCEPHALY-OCULO-DIGITO-ESOPHAGEAL-DUODENAL SYNDROME; OCULODIGITOESOPHAGODUODENAL SYNDROME; ODED SYNDROME. Identifiers: Orphanet 1305, Orphanet 391641, MedGen C4551774, MONDO:0008115, OMIM 164280.

Allele frequency attached by ClinVar (database versions not stated): ExAC 0.00025; gnomAD 0.00036 and 0.00039; gnomAD exomes 0.00036 and 0.00086; ESP Exome Variant Server 0.00038; TOPMed 0.00042.
gnomAD v4.1: 1,286 of 1,613,752 alleles (0.08%); highest among the groups gnomAD compares: Non-Finnish European, 0.1%; 1 homozygote.

Submissions (6):

CeGaT Center for Human Genetics Tuebingen
Classification: Likely benign. Last evaluated: 2026-05-01. Review status: criteria provided, single submitter. Criteria: CeGaT Center For Human Genetics Tuebingen Variant Classification Criteria Version 2. Collection method: clinical testing. Allele origin: germline. Affected: yes. Observed: 5 variant alleles.
Comment: MYCN: BP4, BP7, BS1

Labcorp Genetics (formerly Invitae), Labcorp
Classification: Likely benign. Last evaluated: 2025-12-17. Review status: criteria provided, single submitter. Criteria: Invitae Variant Classification Sherloc (09022015). Collection method: clinical testing. Allele origin: germline.

Blueprint Genetics
Classification: Likely benign. Last evaluated: 2024-10-29. Review status: criteria provided, single submitter. Criteria: ACMG Guidelines, 2015. Collection method: clinical testing. Allele origin: germline.

Fulgent Genetics
Classification: Likely benign for Feingold syndrome type 1. Last evaluated: 2021-10-05. Review status: criteria provided, single submitter. Criteria: ACMG Guidelines, 2015. Collection method: clinical testing. Allele origin: unknown.

GeneDx
Classification: Likely benign. Last evaluated: 2018-02-16. Review status: criteria provided, single submitter. Criteria: GeneDx Variant Classification (06012015). Collection method: clinical testing. Allele origin: germline. Affected: yes.
Comment: This variant is considered likely benign or benign based on one or more of the following criteria: it is a conservative change, it occurs at a poorly conserved position in the protein, it is predicted to be benign by multiple in silico algorithms, and/or has population frequency not consistent with disease.

PreventionGenetics, part of Exact Sciences
Classification: Likely benign for MYCN-related condition. Last evaluated: 2020-11-19. Review status: no assertion criteria provided. Collection method: clinical testing. Allele origin: germline. Not counted in ClinVar's aggregate classification.
Comment: This variant is classified as likely benign based on ACMG/AMP sequence variant interpretation guidelines (Richards et al. 2015 PMID: 25741868, with internal and published modifications).